The following is an entry in ClinVar:

ClinVar aggregate classification (germline): Uncertain significance (1 of 4 stars; one submission).

Submission:

GeneDx
Classification: Uncertain significance. Last evaluated: 2021-05-25. Review status: criteria provided, single submitter. Criteria: GeneDx Variant Classification Process June 2021. Collection method: clinical testing. Allele origin: germline. Affected: yes.
Comment: Has not been previously published as pathogenic or benign to our knowledge; Not observed at significant frequency in large population cohorts (Lek et al., 2016); In silico analysis supports that this missense variant does not alter protein structure/function

NM_014314.4(RIGI):c.1493A>T (p.Gln498Leu)

Gene: RIGI (RNA sensor RIG-I; minus strand). Cytogenetic location: 9p21.1.
Variant type: single nucleotide variant.
Coding change: c.1493A>T on transcript NM_014314.4 (MANE Select); coding-DNA position 1493, A replaced by T.
Protein change: p.Gln498Leu; replaces glutamine 498 with leucine.
Molecular consequence: missense variant.
Genome position (GRCh38, 1-based): chr9:32,481,485, T>A on the plus strand (A>T on the coding strand, the complement: RIGI is on the minus strand). VCF-style: chr9-32481485-T-A. GRCh37 (hg19) VCF-style: chr9-32481483-T-A.
Other names: c.1487A>T, p.Gln496Leu (NM_001385907.1); c.1493A>T, p.Gln498Leu (NM_001385909.1); c.1052A>T, p.Gln351Leu (NM_001385910.1); c.884A>T, p.Gln295Leu (NM_001385912.1); c.1478A>T, p.Gln493Leu (NM_001385913.1); c.1049A>T, p.Gln350Leu (NM_001385914.1); short protein forms Q295L, Q350L, Q351L, Q493L, Q496L, Q498L.
Identifiers: ClinVar variation 1327718 (VCV001327718.2), dbSNP rs2118769322, ClinGen allele CA373153390.
Genomic context (GRCh38, chr9:32,481,485, plus strand): 5'-TTCTGAACTGTAACAATCCATTGTTCATATTTCTGTGTTCCAAATTCCCTATTTTGAATT[T>A]GAGATAAGTTTTCTGTTAAAAAAAAAAAAAAAAGTTTTTCACTGTCTCATATGGTCAGTC-3'
Protein context (NP_055129.2, residues 488-508): RICKDLENLS[Gln498Leu]IQNREFGTQK